The following is an entry in ClinVar:

NM_001378778.1(MPDZ):c.6127C>A (p.Gln2043Lys)

Gene: MPDZ (multiple PDZ domain crumbs cell polarity complex component; minus strand). Cytogenetic location: 9p23.
Variant type: single nucleotide variant.
Coding change: c.6127C>A on transcript NM_001378778.1 (MANE Select); coding-DNA position 6127, C replaced by A.
Protein change: p.Gln2043Lys; replaces glutamine 2043 with lysine.
Molecular consequence: missense variant.
Genome position (GRCh38, 1-based): chr9:13,107,051, G>T on the plus strand (C>A on the coding strand, the complement: MPDZ is on the minus strand). VCF-style: chr9-13107051-G-T. GRCh37 (hg19) VCF-style: chr9-13107050-G-T.
Other names: c.6028C>A, p.Gln2010Lys (NM_001261406.2, NM_001375416.1, NM_001375417.1 and 1 more transcripts); c.5941C>A, p.Gln1981Lys (NM_001261407.2, NM_001375419.1); c.6127C>A, p.Gln2043Lys (NM_001330637.2); c.6226C>A, p.Gln2076Lys (NM_001375413.1); c.5917C>A, p.Gln1973Lys (NM_001375420.1, NM_001375421.1, NM_001375422.1 and 2 more transcripts); c.5830C>A, p.Gln1944Lys (NM_001375425.1, NM_001375426.1); c.5719C>A, p.Gln1907Lys (NM_001375427.1); c.6040C>A, p.Gln2014Lys (NM_003829.5); short protein forms Q1907K, Q1944K, Q1973K, Q2014K, Q1981K, Q2010K, Q2076K, Q2043K.
Identifiers: ClinVar variation 1936122 (VCV001936122.5), dbSNP rs765649084, ClinGen allele CA372938371.

ClinVar aggregate classification (germline): Uncertain significance (1 of 4 stars; one submission).

gnomAD v4.1: 1 of 1,610,200 alleles (0.000062%); highest among the groups gnomAD compares: Admixed American, 0.0017%; no homozygotes.

Submission:

Labcorp Genetics (formerly Invitae), Labcorp
Classification: Uncertain significance. Last evaluated: 2023-05-15. Review status: criteria provided, single submitter. Criteria: Invitae Variant Classification Sherloc (09022015). Collection method: clinical testing. Allele origin: germline.
Comment: This sequence change replaces glutamine, which is neutral and polar, with lysine, which is basic and polar, at codon 2014 of the MPDZ protein (p.Gln2014Lys). This variant is not present in population databases (gnomAD no frequency). In summary, the available evidence is currently insufficient to determine the role of this variant in disease. Therefore, it has been classified as a Variant of Uncertain Significance. An algorithm developed to predict the effect of missense changes on protein structure and function (PolyPhen-2) suggests that this variant is likely to be disruptive. ClinVar contains an entry for this variant (Variation ID: 1936122). This variant has not been reported in the literature in individuals affected with MPDZ-related conditions.